The following is an entry in ClinVar:

ClinVar aggregate classification (germline): Likely benign. Review status: criteria provided, multiple submitters, no conflicts (2 of 4 stars). 2 submissions from 2 submitters: Likely benign (2). Last evaluated 2024-02-01.

Allele frequency attached by ClinVar (database versions not stated): ExAC 0.00003; gnomAD 0.00005; TOPMed 0.00005.
gnomAD v4.1: 44 of 1,614,076 alleles (0.0027%); highest among the groups gnomAD compares: African/African-American, 0.017%; no homozygotes.

Submissions (2):

CeGaT Center for Human Genetics Tuebingen
Classification: Likely benign. Last evaluated: 2024-02-01. Review status: criteria provided, single submitter. Criteria: CeGaT Center For Human Genetics Tuebingen Variant Classification Criteria Version 2. Collection method: clinical testing. Allele origin: germline. Affected: yes. Observed: 1 variant allele.
Comment: TCF20: BP4, BP7

Labcorp Genetics (formerly Invitae), Labcorp
Classification: Likely benign. Last evaluated: 2023-12-11. Review status: criteria provided, single submitter. Criteria: Invitae Variant Classification Sherloc (09022015). Collection method: clinical testing. Allele origin: germline.

NM_001378418.1(TCF20):c.294C>T (p.Pro98=)

Gene: TCF20 (transcription factor 20; minus strand). Cytogenetic location: 22q13.2.
Variant type: single nucleotide variant.
Coding change: c.294C>T on transcript NM_001378418.1 (MANE Select); coding-DNA position 294, C replaced by T.
Protein change: p.Pro98=; no amino-acid change (proline 98 retained).
Molecular consequence: synonymous variant.
Genome position (GRCh38, 1-based): chr22:42,215,012, G>A on the plus strand (C>T on the coding strand, the complement: TCF20 is on the minus strand). VCF-style: chr22-42215012-G-A. GRCh37 (hg19) VCF-style: chr22-42611018-G-A.
Other names: c.294C>T, p.Pro98= (NM_005650.4, NM_181492.3).
Identifiers: ClinVar variation 2715263 (VCV002715263.25), dbSNP rs748467177, ClinGen allele CA10267386.